The following is an entry in ClinVar:

NM_000548.5(TSC2):c.156T>G (p.Cys52Trp)

Gene: TSC2 (TSC complex subunit 2; plus strand). Cytogenetic location: 16p13.3.
Variant type: single nucleotide variant.
Coding change: c.156T>G on transcript NM_000548.5 (MANE Select); coding-DNA position 156, T replaced by G.
Protein change: p.Cys52Trp; replaces cysteine 52 with tryptophan.
Molecular consequence: missense variant. On other transcripts: 5 prime UTR variant (1).
Genome position (GRCh38, 1-based): chr16:2,050,417, T>G. VCF-style: chr16-2050417-T-G. GRCh37 (hg19) VCF-style: chr16-2100418-T-G.
Other names: c.156T>G, p.Cys52Trp (NM_001077183.3, NM_001114382.3, NM_001318827.2 and 13 more transcripts); c.9T>G, p.Cys3Trp (NM_001318829.2, NM_001406675.1, NM_001406676.1 and 2 more transcripts); c.-71T>G (NM_001318831.2, NM_001406682.1, NM_001406684.1 and 3 more transcripts); c.189T>G, p.Cys63Trp (NM_001318832.2); c.-661T>G (NM_001406680.1, NM_001406683.1, NM_001406687.1); c.-290T>G (NM_001406681.1); c.-1276T>G (NM_001406689.1, NM_001406690.1, NM_001406691.1 and 2 more transcripts); c.-1582T>G (NM_001406693.1); and 3 more; short protein forms C52W, C3W, C63W.
Identifiers: ClinVar variation 1775492 (VCV001775492.3), dbSNP rs2548372094, ClinGen allele CA394303177.

ClinVar aggregate classification (germline): Uncertain significance. Review status: criteria provided, multiple submitters, no conflicts (2 of 4 stars). 2 submissions from 2 submitters: Uncertain significance (2). Last evaluated 2025-06-18.

Conditions:
Hereditary cancer-predisposing syndrome. Also called: Tumor predisposition; Neoplastic Syndromes, Hereditary; Hereditary Cancer Syndrome; Hereditary neoplastic syndrome. Identifiers: Orphanet 140162, MedGen C0027672, MeSH D009386, MONDO:0015356.
Tuberous sclerosis 2 (TSC2). Identifiers: Orphanet 805, MedGen C1860707, MONDO:0013199, OMIM 613254.

Submissions (2):

Labcorp Genetics (formerly Invitae), Labcorp
Classification: Uncertain significance for Tuberous sclerosis 2. Last evaluated: 2025-06-18. Review status: criteria provided, single submitter. Criteria: Invitae Variant Classification Sherloc (09022015). Collection method: clinical testing. Allele origin: germline.
Comment: This sequence change replaces cysteine, which is neutral and slightly polar, with tryptophan, which is neutral and slightly polar, at codon 52 of the TSC2 protein (p.Cys52Trp). This variant is not present in population databases (gnomAD no frequency). This variant has not been reported in the literature in individuals affected with TSC2-related conditions. ClinVar contains an entry for this variant (Variation ID: 1775492). Invitae Evidence Modeling of protein sequence and biophysical properties (such as structural, functional, and spatial information, amino acid conservation, physicochemical variation, residue mobility, and thermodynamic stability) indicates that this missense variant is not expected to disrupt TSC2 protein function with a negative predictive value of 95%. In summary, the available evidence is currently insufficient to determine the role of this variant in disease. Therefore, it has been classified as a Variant of Uncertain Significance.

Ambry Genetics
Classification: Uncertain significance for Hereditary cancer-predisposing syndrome. Last evaluated: 2022-10-22. Review status: criteria provided, single submitter. Criteria: Ambry Variant Classification Scheme 2023. Collection method: clinical testing. Allele origin: germline.
Comment: The p.C52W variant (also known as c.156T>G), located in coding exon 2 of the TSC2 gene, results from a T to G substitution at nucleotide position 156. The cysteine at codon 52 is replaced by tryptophan, an amino acid with highly dissimilar properties. This amino acid position is conserved. In addition, the in silico prediction for this alteration is inconclusive. Since supporting evidence is limited at this time, the clinical significance of this alteration remains unclear.